The following is an entry in ClinVar:

NM_014712.3(SETD1A):c.4244A>G (p.Tyr1415Cys)

Gene: SETD1A (SET domain containing 1A, histone lysine methyltransferase; plus strand). Cytogenetic location: 16p11.2.
Variant type: single nucleotide variant.
Coding change: c.4244A>G on transcript NM_014712.3 (MANE Select); coding-DNA position 4244, A replaced by G.
Protein change: p.Tyr1415Cys; replaces tyrosine 1415 with cysteine.
Molecular consequence: missense variant.
Genome position (GRCh38, 1-based): chr16:30,980,030, A>G. VCF-style: chr16-30980030-A-G. GRCh37 (hg19) VCF-style: chr16-30991351-A-G.
Other names: short protein forms Y1415C.
Identifiers: ClinVar variation 2629620 (VCV002629620.4), dbSNP rs1477231151, ClinGen allele CA395630914.

ClinVar aggregate classification (germline): Uncertain significance (1 of 4 stars; one submission).

Conditions:
SETD1A-related disorder. Also called: SETD1A-related condition.

Allele frequency attached by ClinVar (database versions not stated): gnomAD exomes below 0.00001; TOPMed 0.00001.
gnomAD v4.1: 1 of 1,495,510 alleles (0.000067%); highest among the groups gnomAD compares: South Asian, 0.0012%; no homozygotes.

Submission:

PreventionGenetics, part of Exact Sciences
Classification: Uncertain significance for SETD1A-related condition. Last evaluated: 2025-08-28. Review status: criteria provided, single submitter. Criteria: ACMG Guidelines, 2015. Collection method: clinical testing. Allele origin: germline.
Comment: The SETD1A c.4244A>G variant is predicted to result in the amino acid substitution p.Tyr1415Cys. To our knowledge, this variant has not been reported in the literature or in gnomAD, indicating this variant is rare. At this time, the clinical significance of this variant is uncertain due to the absence of conclusive functional and genetic evidence.